The following is an entry in ClinVar:

NM_172364.5(CACNA2D4):c.1213G>A (p.Asp405Asn)

Gene: CACNA2D4 (calcium voltage-gated channel auxiliary subunit alpha2delta 4; minus strand). Cytogenetic location: 12p13.33.
Variant type: single nucleotide variant.
Coding change: c.1213G>A on transcript NM_172364.5 (MANE Select); coding-DNA position 1213, G replaced by A.
Protein change: p.Asp405Asn; replaces aspartic acid 405 with asparagine.
Molecular consequence: missense variant.
Genome position (GRCh38, 1-based): chr12:1,884,827, C>T on the plus strand (G>A on the coding strand, the complement: CACNA2D4 is on the minus strand). VCF-style: chr12-1884827-C-T. GRCh37 (hg19) VCF-style: chr12-1993993-C-T.
Other names: short protein forms D405N.
Identifiers: ClinVar variation 863183 (VCV000863183.9), dbSNP rs201648165, ClinGen allele CA6387226.

ClinVar aggregate classification (germline): Uncertain significance. Review status: criteria provided, multiple submitters, no conflicts (2 of 4 stars). 3 submissions from 3 submitters: Uncertain significance (3). Last evaluated 2025-11-22.

Conditions:
Inborn genetic diseases. Identifiers: MedGen C0950123, MeSH D030342.

Allele frequency attached by ClinVar (database versions not stated): gnomAD 0.00006; TOPMed 0.00015; gnomAD exomes 0.00016 and 0.00017; ExAC 0.00019; ESP Exome Variant Server 0.00032.
gnomAD v4.1: 246 of 1,613,762 alleles (0.015%); highest among the groups gnomAD compares: Admixed American, 0.043%; 1 homozygote.

Submissions (3):

Labcorp Genetics (formerly Invitae), Labcorp
Classification: Uncertain significance. Last evaluated: 2025-11-22. Review status: criteria provided, single submitter. Criteria: Invitae Variant Classification Sherloc (09022015). Collection method: clinical testing. Allele origin: germline.
Comment: This sequence change replaces aspartic acid, which is acidic and polar, with asparagine, which is neutral and polar, at codon 405 of the CACNA2D4 protein (p.Asp405Asn). This variant is present in population databases (rs201648165, gnomAD 0.06%), and has an allele count higher than expected for a pathogenic variant. This variant has not been reported in the literature in individuals affected with CACNA2D4-related conditions. ClinVar contains an entry for this variant (Variation ID: 863183). An algorithm developed to predict the effect of missense changes on protein structure and function (PolyPhen-2) suggests that this variant is likely to be disruptive. In summary, the available evidence is currently insufficient to determine the role of this variant in disease. Therefore, it has been classified as a Variant of Uncertain Significance.

Blueprint Genetics
Classification: Uncertain significance. Last evaluated: 2024-10-28. Review status: criteria provided, single submitter. Criteria: ACMG Guidelines, 2015. Collection method: clinical testing. Allele origin: germline.

Ambry Genetics
Classification: Uncertain significance for Inborn genetic diseases. Last evaluated: 2021-08-10. Review status: criteria provided, single submitter. Criteria: Ambry Variant Classification Scheme 2023. Collection method: clinical testing. Allele origin: germline.